The following is an entry in ClinVar:

ClinVar aggregate classification (germline): Uncertain significance (1 of 4 stars; one submission).

Conditions:
Carney complex, type 1 (CNC1). Also called: CARNEY COMPLEX, TYPE I; CARNEY MYXOMA-ENDOCRINE COMPLEX. Identifiers: Orphanet 1359, MedGen C2607929, MONDO:0008057, OMIM 160980.

Allele frequency attached by ClinVar (database versions not stated): gnomAD exomes below 0.00001.
gnomAD v4.1: 1 of 1,613,918 alleles (0.000062%); highest among the groups gnomAD compares: Admixed American, 0.0017%; no homozygotes.

Submission:

Labcorp Genetics (formerly Invitae), Labcorp
Classification: Uncertain significance for Carney complex, type 1. Last evaluated: 2023-11-24. Review status: criteria provided, single submitter. Criteria: Invitae Variant Classification Sherloc (09022015). Collection method: clinical testing. Allele origin: germline.
Comment: This sequence change replaces aspartic acid, which is acidic and polar, with glycine, which is neutral and non-polar, at codon 109 of the PRKAR1A protein (p.Asp109Gly). This variant is present in population databases (no rsID available, gnomAD 0.003%). This variant has not been reported in the literature in individuals affected with PRKAR1A-related conditions. Advanced modeling of protein sequence and biophysical properties (such as structural, functional, and spatial information, amino acid conservation, physicochemical variation, residue mobility, and thermodynamic stability) has been performed at Invitae for this missense variant, however the output from this modeling did not meet the statistical confidence thresholds required to predict the impact of this variant on PRKAR1A protein function. Algorithms developed to predict the effect of sequence changes on RNA splicing suggest that this variant may create or strengthen a splice site. In summary, the available evidence is currently insufficient to determine the role of this variant in disease. Therefore, it has been classified as a Variant of Uncertain Significance.

NM_002734.5(PRKAR1A):c.326A>G (p.Asp109Gly)

Gene: PRKAR1A (protein kinase cAMP-dependent type I regulatory subunit alpha; plus strand). Cytogenetic location: 17q24.2.
Variant type: single nucleotide variant.
Coding change: c.326A>G on transcript NM_002734.5 (MANE Select); coding-DNA position 326, A replaced by G.
Protein change: p.Asp109Gly; replaces aspartic acid 109 with glycine.
Molecular consequence: missense variant.
Genome position (GRCh38, 1-based): chr17:68,522,904, A>G. VCF-style: chr17-68522904-A-G. GRCh37 (hg19) VCF-style: chr17-66519045-A-G.
Other names: c.326A>G, p.Asp109Gly (NM_001276289.2, NM_001276290.1, NM_001278433.2 and 4 more transcripts); short protein forms D109G.
Identifiers: ClinVar variation 2698786 (VCV002698786.3), dbSNP rs1206688715, ClinGen allele CA400752477.